The following is an entry in ClinVar:

NR_001566.3(TERC):n.178G>A

Genes: TERC (telomerase RNA component; minus strand), LOC110806306 (telomerase RNA component (TERC) promoter; plus strand). Cytogenetic location: 3q26.2.
Variant type: single nucleotide variant.
Genome position: GRCh38 VCF-style: chr3-169764883-C-T. GRCh37 (hg19) VCF-style: chr3-169482671-C-T.
Other names: NR_001566.1:r.178g>a (G178A).
Identifiers: ClinVar variation 39283 (VCV000039283.3), dbSNP rs199422275, ClinGen allele CA343755.

ClinVar aggregate classification (germline): Pathogenic (0 of 4 stars; one submission).

Conditions:
Aplastic anemia. Identifiers: Orphanet 182040, Orphanet 88, MedGen C0002874, MONDO:0015909, OMIM 609135, HP:0001915.

Submission:

GeneReviews
Classification: Pathogenic for Dyskeratosis Congenita. Last evaluated: 2012-05-10. Review status: no assertion criteria provided. Collection method: curation. Allele origin: unknown.
ClinVar note: Converted during submission from pathologic to Pathogenic.